The following is an entry in ClinVar:

NM_014363.6(SACS):c.7880A>G (p.Asn2627Ser)

Gene: SACS (sacsin molecular chaperone; minus strand). Cytogenetic location: 13q12.12.
Variant type: single nucleotide variant.
Coding change: c.7880A>G on transcript NM_014363.6 (MANE Select); coding-DNA position 7880, A replaced by G.
Protein change: p.Asn2627Ser; replaces asparagine 2627 with serine.
Molecular consequence: missense variant.
Genome position (GRCh38, 1-based): chr13:23,335,996, T>C on the plus strand (A>G on the coding strand, the complement: SACS is on the minus strand). VCF-style: chr13-23335996-T-C. GRCh37 (hg19) VCF-style: chr13-23910135-T-C.
Other names: p.Asn2627Ser; c.7439A>G, p.Asn2480Ser (NM_001278055.2); short protein forms N2480S, N2627S.
Identifiers: ClinVar variation 3380140 (VCV003380140.1).
Genomic context (GRCh38, chr13:23,335,996, plus strand): 5'-ATACACAGGATGTCATTGCCAGAAATAAAAGATGGGCAGTCTGTGATATGATACACAGAA[T>C]TGAATCCTATTCCATACTGTCCAGTTTTATAAGGATTTCCCTCTTTCGTGCCTTTTCCAA-3'
Protein context (NP_055178.3, residues 2617-2637): YKTGQYGIGF[Asn2627Ser]SVYHITDCPS

ClinVar aggregate classification (germline): Uncertain significance (1 of 4 stars; one submission).

gnomAD v4.1: 16 of 1,613,036 alleles (0.00099%); highest among the groups gnomAD compares: African/African-American, 0.0013%; no homozygotes.

Submission:

Mayo Clinic Laboratories, Mayo Clinic
Classification: Uncertain significance. Last evaluated: 2024-07-30. Review status: criteria provided, single submitter. Criteria: ACMG Guidelines, 2015. Collection method: clinical testing. Allele origin: germline. Observed: 1 variant allele.
Comment: PP3_moderate, PM2